The following is an entry in ClinVar:

ClinVar aggregate classification (germline): Pathogenic/Likely pathogenic. Review status: criteria provided, multiple submitters, no conflicts (2 of 4 stars). 2 submissions from 2 submitters: Pathogenic (1); Likely pathogenic (1). Last evaluated 2025-08-03.

Conditions:
LTBP2-related disorder. Also called: LTBP2-related condition; LTBP2-related disorders.

Submissions (2):

Labcorp Genetics (formerly Invitae), Labcorp
Classification: Pathogenic. Last evaluated: 2025-08-03. Review status: criteria provided, single submitter. Criteria: Invitae Variant Classification Sherloc (09022015). Collection method: clinical testing. Allele origin: germline.
Comment: This sequence change creates a premature translational stop signal (p.Leu1557Alafs*22) in the LTBP2 gene. It is expected to result in an absent or disrupted protein product. Loss-of-function variants in LTBP2 are known to be pathogenic (PMID: 19361779, 19656777, 22025892). This variant is present in population databases (rs766444609, gnomAD 0.006%). This variant has not been reported in the literature in individuals affected with LTBP2-related conditions. ClinVar contains an entry for this variant (Variation ID: 1982594). For these reasons, this variant has been classified as Pathogenic.

Blueprint Genetics
Classification: Likely pathogenic for LTBP2-related disorders. Last evaluated: 2022-02-28. Review status: criteria provided, single submitter. Criteria: ACMG Guidelines, 2015. Collection method: clinical testing. Allele origin: germline. Affected: yes. Observed: 2 variant alleles.

Literature cited by the submitters: PubMed 19361779 (cited by Labcorp Genetics (formerly Invitae), Labcorp); PubMed 19656777 (cited by Labcorp Genetics (formerly Invitae), Labcorp); PubMed 22025892 (cited by Labcorp Genetics (formerly Invitae), Labcorp).

NM_000428.3(LTBP2):c.4667dup (p.Leu1557fs)

Gene: LTBP2 (latent transforming growth factor beta binding protein 2; minus strand). Cytogenetic location: 14q24.3.
Variant type: Duplication.
Coding change: c.4667dup on transcript NM_000428.3 (MANE Select); coding-DNA position 4667, one base duplicated (C; older notation c.4667dupC).
Protein change: p.Leu1557fs; shifts the reading frame from leucine 1557.
Molecular consequence: frameshift variant.
Genome position (GRCh38, 1-based): chr14:74,503,522, G duplicated on the plus strand (C on the coding strand, the reverse complement: LTBP2 is on the minus strand); the first of 6 consecutive G bases (chr14:74,503,522-74,503,527); duplicating any one gives the same sequence. VCF-style (leftmost placement, unchanged base first): chr14-74503521-C-CG. GRCh37 (hg19) VCF-style: chr14-74970224-C-CG.
Other names: short protein forms L1557fs.
Identifiers: ClinVar variation 1982594 (VCV001982594.5), dbSNP rs766444609, ClinGen allele CA7268681.